The following is an entry in ClinVar:

ClinVar aggregate classification (germline): Uncertain significance (1 of 4 stars; one submission).

Submission:

Labcorp Genetics (formerly Invitae), Labcorp
Classification: Uncertain significance. Last evaluated: 2025-02-27. Review status: criteria provided, single submitter. Criteria: Invitae Variant Classification Sherloc (09022015). Collection method: clinical testing. Allele origin: germline.
Comment: This sequence change replaces glutamine, which is neutral and polar, with arginine, which is basic and polar, at codon 84 of the NSMCE3 protein (p.Gln84Arg). This variant is not present in population databases (gnomAD no frequency). This variant has not been reported in the literature in individuals affected with NSMCE3-related conditions. Invitae Evidence Modeling of protein sequence and biophysical properties (such as structural, functional, and spatial information, amino acid conservation, physicochemical variation, residue mobility, and thermodynamic stability) indicates that this missense variant is not expected to disrupt NSMCE3 protein function with a negative predictive value of 80%. In summary, the available evidence is currently insufficient to determine the role of this variant in disease. Therefore, it has been classified as a Variant of Uncertain Significance.

NM_138704.4(NSMCE3):c.251A>G (p.Gln84Arg)

Genes: ENTREP2 (endosomal transmembrane epsin interactor 2; minus strand), NSMCE3 (NSE3 component of SMC5/6 complex; minus strand). Cytogenetic location: 15q13.1.
Variant type: single nucleotide variant.
Coding change: c.251A>G on transcript NM_138704.4 (MANE Select); coding-DNA position 251, A replaced by G.
Protein change: p.Gln84Arg; replaces glutamine 84 with arginine.
Molecular consequence: missense variant. On other transcripts: intron variant (5).
Genome position (GRCh38, 1-based): chr15:29,269,455, T>C on the plus strand (A>G on the coding strand, the complement: NSMCE3 is on the minus strand). VCF-style: chr15-29269455-T-C. GRCh37 (hg19) VCF-style: chr15-29561659-T-C.
Other names: c.-12-16977A>G (NM_001387217.1, NM_001387215.1, NM_001387216.1); c.277-16977A>G (NM_001387214.1, NM_015307.2); short protein forms Q84R.
Identifiers: ClinVar variation 4745239 (VCV004745239.1).
Genomic context (GRCh38, chr15:29,269,455, plus strand): 5'-ATCTTCTTCTGGTCTTTAATCAGCAAGAACTGCACCAGCTCGGACACTTTCAGCTCCAGC[T>C]GCTTCTGGCTCCTGGGCCCCACGGCGGGGGCGGCCTGGGCCCGGCGGGCGCCCTGAGGCG-3'
Protein context (NP_619649.1, residues 74-94): APAVGPRSQK[Gln84Arg]LELKVSELVQ